The following is an entry in ClinVar:

NM_015557.3(CHD5):c.2027A>G (p.Asp676Gly)

Gene: CHD5 (chromodomain helicase DNA binding protein 5; minus strand). Cytogenetic location: 1p36.31.
Variant type: single nucleotide variant.
Coding change: c.2027A>G on transcript NM_015557.3 (MANE Select); coding-DNA position 2027, A replaced by G.
Protein change: p.Asp676Gly; replaces aspartic acid 676 with glycine.
Molecular consequence: missense variant.
Genome position (GRCh38, 1-based): chr1:6,143,839, T>C on the plus strand (A>G on the coding strand, the complement: CHD5 is on the minus strand). VCF-style: chr1-6143839-T-C. GRCh37 (hg19) VCF-style: chr1-6203899-T-C.
Other names: short protein forms D676G.
Identifiers: ClinVar variation 3776728 (VCV003776728.1).
Genomic context (GRCh38, chr1:6,143,839, plus strand): 5'-GCCCTGGCAACCCCACCCACTGCTGCCCCACCCTCCCCACTCACGTCCACAATGGGCGTG[T>C]CCGGCGGCTTCTCCTGCTTGTCGTCCCTCAGCTTCTTGCCCTTCTTGAGCAGCCTCTTGG-3'
Protein context (NP_056372.1, residues 666-686): LRDDKQEKPP[Asp676Gly]TPIVDPTVKF

ClinVar aggregate classification (germline): Uncertain significance (1 of 4 stars; one submission).

gnomAD v4.1: 1 of 1,611,586 alleles (0.000062%); highest among the groups gnomAD compares: South Asian, 0.0011%; no homozygotes.

Submission:

GeneDx
Classification: Uncertain significance. Last evaluated: 2024-10-04. Review status: criteria provided, single submitter. Criteria: GeneDx Variant Classification Process June 2021. Collection method: clinical testing. Allele origin: germline. Affected: yes.
Comment: Not observed at significant frequency in large population cohorts (gnomAD); In silico analysis supports that this missense variant has a deleterious effect on protein structure/function; Has not been previously published as pathogenic or benign to our knowledge